The following is an entry in ClinVar:

NM_000709.4(BCKDHA):c.108+4A>G

Gene: BCKDHA (branched chain keto acid dehydrogenase E1 subunit alpha; plus strand). Cytogenetic location: 19q13.2.
Variant type: single nucleotide variant.
Coding change: c.108+4A>G on transcript NM_000709.4 (MANE Select); 4 bases into the intron after coding-DNA position 108, A replaced by G.
Molecular consequence: intron variant.
Genome position (GRCh38, 1-based): chr19:41,397,939, A>G. VCF-style: chr19-41397939-A-G. GRCh37 (hg19) VCF-style: chr19-41903844-A-G.
Other names: c.108+4A>G (NM_001164783.2).
Identifiers: ClinVar variation 1929552 (VCV001929552.5), dbSNP rs2039094032, ClinGen allele CA2580097282.

ClinVar aggregate classification (germline): Uncertain significance (1 of 4 stars; one submission).

Conditions:
Maple syrup urine disease (MSUD). Identifiers: Orphanet 511, MedGen C0024776, MeSH D008375, MONDO:0009563. Disease mechanism: loss of function.

Submission:

Labcorp Genetics (formerly Invitae), Labcorp
Classification: Uncertain significance for Maple syrup urine disease. Last evaluated: 2022-02-24. Review status: criteria provided, single submitter. Criteria: Invitae Variant Classification Sherloc (09022015). Collection method: clinical testing. Allele origin: germline.
Comment: In summary, the available evidence is currently insufficient to determine the role of this variant in disease. Therefore, it has been classified as a Variant of Uncertain Significance. Variants that disrupt the consensus splice site are a relatively common cause of aberrant splicing (PMID: 17576681, 9536098). Algorithms developed to predict the effect of sequence changes on RNA splicing suggest that this variant may disrupt the consensus splice site. This variant has been observed in individual(s) with maple syrup urine disease (PMID: 31998365). This variant is not present in population databases (gnomAD no frequency). This sequence change falls in intron 1 of the BCKDHA gene. It does not directly change the encoded amino acid sequence of the BCKDHA protein. It affects a nucleotide within the consensus splice site.

Literature cited by the submitters: PubMed 17576681; PubMed 9536098; PubMed 31998365.